The following is an entry in ClinVar:

NM_004946.3(DOCK2):c.566A>G (p.Glu189Gly)

Gene: DOCK2 (dedicator of cytokinesis 2; plus strand). Cytogenetic location: 5q35.1.
Variant type: single nucleotide variant.
Coding change: c.566A>G on transcript NM_004946.3 (MANE Select); coding-DNA position 566, A replaced by G.
Protein change: p.Glu189Gly; replaces glutamic acid 189 with glycine.
Molecular consequence: missense variant. On other transcripts: non-coding transcript variant (1).
Genome position (GRCh38, 1-based): chr5:169,681,839, A>G. VCF-style: chr5-169681839-A-G. GRCh37 (hg19) VCF-style: chr5-169108843-A-G.
Other names: c.566A>G, p.Glu189Gly (LRG_1227t1); short protein forms E189G.
Identifiers: ClinVar variation 476017 (VCV000476017.7), dbSNP rs1234078639, ClinGen allele CA362103352.

ClinVar aggregate classification (germline): Uncertain significance (1 of 4 stars; one submission).

Conditions:
DOCK2 deficiency. Also called: Immunodeficiency 40. Identifiers: Orphanet 447737, MedGen C4225328, MONDO:0014637, OMIM 616433.

Allele frequency attached by ClinVar (database versions not stated): TOPMed below 0.00001.

Submission:

Labcorp Genetics (formerly Invitae), Labcorp
Classification: Uncertain significance for DOCK2 deficiency. Last evaluated: 2017-06-02. Review status: criteria provided, single submitter. Criteria: Invitae Variant Classification Sherloc (09022015). Collection method: clinical testing. Allele origin: germline.
Comment: Algorithms developed to predict the effect of missense changes on protein structure and function (SIFT, PolyPhen-2, Align-GVGD) all suggest that this variant is likely to be tolerated, but these predictions have not been confirmed by published functional studies and their clinical significance is uncertain. This variant is not present in population databases (ExAC no frequency). This variant has not been reported in the literature in individuals with a DOCK2-related disease. This sequence change replaces glutamic acid with glycine at codon 189 of the DOCK2 protein (p.Glu189Gly). The glutamic acid residue is moderately conserved and there is a moderate physicochemical difference between glutamic acid and glycine. In summary, this variant has uncertain impact on DOCK2 function. The available evidence is currently insufficient to determine its role in disease. Therefore, it has been classified as a Variant of Uncertain Significance.